The following is an entry in ClinVar:

ClinVar aggregate classification (germline): Uncertain significance (1 of 4 stars; one submission).

Submission:

Labcorp Genetics (formerly Invitae), Labcorp
Classification: Uncertain significance. Last evaluated: 2023-11-18. Review status: criteria provided, single submitter. Criteria: Invitae Variant Classification Sherloc (09022015). Collection method: clinical testing. Allele origin: germline.
Comment: This sequence change replaces phenylalanine, which is neutral and non-polar, with leucine, which is neutral and non-polar, at codon 285 of the CTNNA1 protein (p.Phe285Leu). This variant is not present in population databases (gnomAD no frequency). This variant has not been reported in the literature in individuals affected with CTNNA1-related conditions. Advanced modeling of protein sequence and biophysical properties (such as structural, functional, and spatial information, amino acid conservation, physicochemical variation, residue mobility, and thermodynamic stability) performed at Invitae indicates that this missense variant is not expected to disrupt CTNNA1 protein function with a negative predictive value of 80%. In summary, the available evidence is currently insufficient to determine the role of this variant in disease. Therefore, it has been classified as a Variant of Uncertain Significance.

NM_001903.5(CTNNA1):c.853T>C (p.Phe285Leu)

Gene: CTNNA1 (catenin alpha 1; plus strand). Cytogenetic location: 5q31.2.
Variant type: single nucleotide variant.
Coding change: c.853T>C on transcript NM_001903.5 (MANE Select); coding-DNA position 853, T replaced by C.
Protein change: p.Phe285Leu; replaces phenylalanine 285 with leucine.
Molecular consequence: missense variant.
Genome position (GRCh38, 1-based): chr5:138,824,794, T>C. VCF-style: chr5-138824794-T-C. GRCh37 (hg19) VCF-style: chr5-138160483-T-C.
Other names: c.853T>C, p.Phe285Leu (NM_001323982.2, NM_001323983.1, NM_001323984.2 and 3 more transcripts); c.544T>C, p.Phe182Leu (NM_001290309.3); c.484T>C, p.Phe162Leu (NM_001290310.3); short protein forms F182L, F285L, F162L.
Identifiers: ClinVar variation 2696968 (VCV002696968.3), dbSNP rs2532426768, ClinGen allele CA361130324.
Genomic context (GRCh38, chr5:138,824,794, plus strand): 5'-GACGATGCCTCACAGCACCAGGGTGGAGGAGGAGGAGAACTGGCATATGCACTCAATAAC[T>C]TTGACGTAAGTTATGCTTGGGTGGAAATTTCCAGCTCTTGACCATCCCCCAAAAGATAAC-3'
Protein context (NP_001894.2, residues 275-295): GGELAYALNN[Phe285Leu]DKQIIVDPLS